The following is an entry in ClinVar:

ClinVar aggregate classification (germline): Uncertain significance (1 of 4 stars; one submission).

Conditions:
Primary ciliary dyskinesia. Also called: Ciliary dyskinesia. Identifiers: Orphanet 244, MedGen C0008780, MONDO:0016575, HP:0012265.

Allele frequency attached by ClinVar (database versions not stated): gnomAD exomes 0.00002 and 0.00001; ESP Exome Variant Server 0.00008; gnomAD 0.00001; TOPMed 0.00001; ExAC 0.00002.
gnomAD v4.1: 10 of 1,613,502 alleles (0.00062%); highest among the groups gnomAD compares: Admixed American, 0.005%; no homozygotes.

Submission:

Labcorp Genetics (formerly Invitae), Labcorp
Classification: Uncertain significance for Primary ciliary dyskinesia. Last evaluated: 2024-10-20. Review status: criteria provided, single submitter. Criteria: Invitae Variant Classification Sherloc (09022015). Collection method: clinical testing. Allele origin: germline.
Comment: This sequence change replaces glutamic acid, which is acidic and polar, with lysine, which is basic and polar, at codon 1970 of the DNAH8 protein (p.Glu1970Lys). This variant is present in population databases (rs138892245, gnomAD 0.009%). This variant has not been reported in the literature in individuals affected with DNAH8-related conditions. ClinVar contains an entry for this variant (Variation ID: 454585). Invitae Evidence Modeling of protein sequence and biophysical properties (such as structural, functional, and spatial information, amino acid conservation, physicochemical variation, residue mobility, and thermodynamic stability) has been performed for this missense variant. However, the output from this modeling did not meet the statistical confidence thresholds required to predict the impact of this variant on DNAH8 protein function. In summary, the available evidence is currently insufficient to determine the role of this variant in disease. Therefore, it has been classified as a Variant of Uncertain Significance.

NM_001206927.2(DNAH8):c.5908G>A (p.Glu1970Lys)

Gene: DNAH8 (dynein axonemal heavy chain 8; plus strand). Cytogenetic location: 6p21.2.
Variant type: single nucleotide variant.
Coding change: c.5908G>A on transcript NM_001206927.2 (MANE Select); coding-DNA position 5908, G replaced by A.
Protein change: p.Glu1970Lys; replaces glutamic acid 1970 with lysine.
Molecular consequence: missense variant.
Genome position (GRCh38, 1-based): chr6:38,857,692, G>A. VCF-style: chr6-38857692-G-A. GRCh37 (hg19) VCF-style: chr6-38825468-G-A.
Other names: c.5257G>A, p.Glu1753Lys (NM_001371.4); short protein forms E1970K, E1753K.
Identifiers: ClinVar variation 454585 (VCV000454585.8), dbSNP rs138892245, ClinGen allele CA3789502.